The following is an entry in ClinVar:

NM_152443.3(RDH12):c.146C>T (p.Thr49Met)

Genes: GPHN (gephyrin; plus strand), RDH12 (retinol dehydrogenase 12; plus strand). Cytogenetic location: 14q24.1.
Variant type: single nucleotide variant.
Coding change: c.146C>T on transcript NM_152443.3 (MANE Select); coding-DNA position 146, C replaced by T.
Protein change: p.Thr49Met; replaces threonine 49 with methionine.
Molecular consequence: missense variant.
Genome position (GRCh38, 1-based): chr14:67,724,550, C>T. VCF-style: chr14-67724550-C-T. GRCh37 (hg19) VCF-style: chr14-68191267-C-T.
Other names: short protein forms T49M.
Identifiers: ClinVar variation 2049 (VCV000002049.65), dbSNP rs28940314, ClinGen allele CA252080.

ClinVar aggregate classification (germline): Pathogenic. Review status: criteria provided, multiple submitters, no conflicts (2 of 4 stars). 17 submissions from 17 submitters: Pathogenic (13). 4 of the submissions do not count toward it. Last evaluated 2026-08-12.

Conditions:
RDH12-related disorder. Also called: RDH12-related disorders; RDH12-related condition.
Retinal dystrophy. Also called: Inherited retinal dystrophy. Identifiers: Orphanet 71862, MedGen C0854723, MeSH D058499, MONDO:0019118, HP:0000556.
Leber congenital amaurosis (LCA). Also called: Leber's amaurosis. Identifiers: Orphanet 65, MedGen C0339527, MeSH D057130, MONDO:0018998.
Cone-rod dystrophy. Also called: Cone/cone-rod dystrophy; Cone-rod degeneration. Identifiers: Orphanet 1872, MedGen C4085590, MONDO:0015993, HP:0000548.
Leber congenital amaurosis 13 (LCA13). Identifiers: MedGen C2675186, MONDO:0012990, OMIM 612712.

Allele frequency attached by ClinVar (database versions not stated): gnomAD 0.00003; TOPMed 0.00003.
gnomAD v4.1: 37 of 1,613,862 alleles (0.0023%); highest among the groups gnomAD compares: East Asian, 0.0089%; no homozygotes.

Submissions 1 to 10 of 17:

PreventionGenetics, part of Exact Sciences
Classification: Pathogenic for RDH12-related condition. Last evaluated: 2026-08-12. Review status: criteria provided, single submitter. Criteria: ACMG Guidelines, 2015. Collection method: clinical testing. Allele origin: germline.
Comment: The RDH12 c.146C>T variant is predicted to result in the amino acid substitution p.Thr49Met. This variant has been reported, in the homozygous state or in the heterozygous state with a second possible causative variant, in multiple individuals with retinal disease (see for examples: Janecke et al. 2004. PubMed ID: 15258582; Mackay et al. 2011. PubMed ID: 22065924; Table S4, Panneman et al. 2023. PubMed ID: 36819107; Table S1, Lin et al. 2024. PubMed ID: 38219857). This variant is present in 0.010% of alleles in individuals of East Asian descent in gnomAD. This variant is interpreted as pathogenic for autosomal recessive disease.

Labcorp Genetics (formerly Invitae), Labcorp
Classification: Pathogenic for Leber congenital amaurosis 13. Last evaluated: 2026-02-01. Review status: criteria provided, single submitter. Criteria: Invitae Variant Classification Sherloc (09022015). Collection method: clinical testing. Allele origin: germline.
Comment: This sequence change replaces threonine, which is neutral and polar, with methionine, which is neutral and non-polar, at codon 49 of the RDH12 protein (p.Thr49Met). This variant is present in population databases (rs28940314, gnomAD 0.01%). This missense change has been observed in individual(s) with autosomal recessive retinal disease (PMID: 15258582, 24474277). In at least one individual the data is consistent with being in trans (on the opposite chromosome) from a pathogenic variant. It has also been observed to segregate with disease in related individuals. ClinVar contains an entry for this variant (Variation ID: 2049). Invitae Evidence Modeling of protein sequence and biophysical properties (such as structural, functional, and spatial information, amino acid conservation, physicochemical variation, residue mobility, and thermodynamic stability) indicates that this missense variant is expected to disrupt RDH12 protein function with a positive predictive value of 80%. Experimental studies have shown that this missense change affects RDH12 function (PMID: 20006610). For these reasons, this variant has been classified as Pathogenic.

Natera, Inc.
Classification: Pathogenic for Leber congenital amaurosis. Last evaluated: 2025-03-18. Review status: criteria provided, single submitter. Criteria: Natera Variant Classification Schema (03/2026). Collection method: clinical testing. Allele origin: germline.
Comment: The c.146C>T variant in RDH12 is a missense variant predicted to cause substitution of threonine to methionine at amino acid 49. This variant is rare in the general population with a frequency below the threshold expected for the associated phenotype(s). This variant has been observed in one or more individuals affected with the associated recessive disease, as either homozygous or compound heterozygous with a second variant (PMID: 23847139). Computational prediction algorithms indicate this variant is likely to affect gene or protein function. Given the available evidence, this variant is classified as Pathogenic.

Dasa
Classification: Pathogenic. Last evaluated: 2024-11-05. Review status: criteria provided, single submitter. Criteria: DASA Assertion Criteria. Collection method: clinical testing. Allele origin: germline.
Comment: NM_152443.3(RDH12):c.146C>T (p.Thr49Met) is a missense variant that results in the substitution of threonine with methionine. The affected residue or protein region has prior evidence supporting clinical relevance. Segregation evidence has been reported in affected families. This variant has been observed in affected individuals with related phenotype in a genotype context consistent with recessive disease (PMID: 19011012; PMID: 21151602; PMID: 32790509; PMID: 32014858; PMID: 16269441). Functional evidence supports a deleterious effect on the gene or gene product (PMID: 19011012; PMID: 21151602; PMID: 32790509; PMID: 32014858; PMID: 16269441). This variant has been recurrently observed in individuals with related phenotype (PMID: 19011012; PMID: 21151602; PMID: 32790509; PMID: 32014858; PMID: 16269441). The variant is present at low frequency in population datasets. Based on the available data, this variant is classified as pathogenic.

GeneDx
Classification: Pathogenic. Last evaluated: 2024-08-19. Review status: criteria provided, single submitter. Criteria: GeneDx Variant Classification Process June 2021. Collection method: clinical testing. Allele origin: germline. Affected: yes.
Comment: Published functional studies demonstrate a damaging effect with altered enzyme activity and increased protein misfolding and degradation (PMID: 15258582, 20006610, 21232531); In silico analysis supports that this missense variant has a deleterious effect on protein structure/function; This variant is associated with the following publications: (PMID: 16269441, 32531858, 33970760, 23847139, 15258582, 20006610, 21232531, 24474277, 29068479, 30029497, 22065924, 31054281, 31456290, 32865313, 33090715, 32014858, 33608557, 35775617, 31964843, 36460718, 36729443, 36819107, 34906470)

Fulgent Genetics
Classification: Pathogenic for Leber congenital amaurosis 13. Last evaluated: 2024-05-22. Review status: criteria provided, single submitter. Criteria: ACMG Guidelines, 2015. Collection method: clinical testing. Allele origin: germline.

Blueprint Genetics
Classification: Pathogenic for RDH12-related disorders. Last evaluated: 2023-03-29. Review status: criteria provided, single submitter. Criteria: ACMG Guidelines, 2015. Collection method: clinical testing. Allele origin: germline. Affected: yes. Observed: 5 variant alleles.

Institute of Human Genetics, Univ. Regensburg, Univ. Regensburg
Classification: Pathogenic for Retinal dystrophy. Last evaluated: 2023-01-01. Review status: criteria provided, single submitter. Criteria: ACMG Guidelines, 2015. Collection method: clinical testing. Allele origin: germline. Affected: yes.

Women's Health and Genetics/Laboratory Corporation of America, LabCorp
Classification: Pathogenic for Leber congenital amaurosis. Last evaluated: 2022-03-29. Review status: criteria provided, single submitter. Criteria: LabCorp Variant Classification Summary - May 2015. Collection method: clinical testing. Allele origin: germline.
Comment: Variant summary: RDH12 c.146C>T (p.Thr49Met) results in a non-conservative amino acid change in the encoded protein sequence. Five of five in-silico tools predict a damaging effect of the variant on protein function. The variant allele was found at a frequency of 1.6e-05 in 251484 control chromosomes. c.146C>T has been reported in the literature as homozygous and compound heterozygous genotypes in multiple individuals affected with Leber Congenital Amaurosis (example, Beryozkin_2014, Wang_2013). These data indicate that the variant is very likely to be associated with disease. At least one publication reports experimental evidence evaluating an impact on protein function (example, Lee_2010). The most pronounced variant effect results in accelarated degradation and significant accumulation of ubiquitylated variant protein indicative of the contribution of the ubiquitin-proteasome system to the pathophysiology of RDH12-associated disease. Seven clinical diagnostic laboratories have submitted clinical-significance assessments for this variant to ClinVar after 2014 without evidence for independent evaluation. All laboratories classified the variant as pathogenic/likely pathogenic. Based on the evidence outlined above, the variant was classified as pathogenic.

Institute for Clinical Genetics, University Hospital TU Dresden, University Hospital TU Dresden
Classification: Pathogenic. Last evaluated: 2021-11-03. Review status: criteria provided, single submitter. Criteria: ACMG Guidelines, 2015. Collection method: clinical testing. Allele origin: germline.